The following is an entry in ClinVar:

NM_000812.4(GABRB1):c.853A>C (p.Thr285Pro)

Gene: GABRB1 (gamma-aminobutyric acid type A receptor subunit beta1; plus strand). Cytogenetic location: 4p12.
Variant type: single nucleotide variant.
Coding change: c.853A>C on transcript NM_000812.4 (MANE Select); coding-DNA position 853, A replaced by C.
Protein change: p.Thr285Pro; replaces threonine 285 with proline.
Molecular consequence: missense variant.
Genome position (GRCh38, 1-based): chr4:47,406,699, A>C. VCF-style: chr4-47406699-A-C. GRCh37 (hg19) VCF-style: chr4-47408716-A-C.
Other names: short protein forms T285P.
Identifiers: ClinVar variation 4686358 (VCV004686358.1).

ClinVar aggregate classification (germline): Uncertain significance (1 of 4 stars; one submission).

Submission:

GeneDx
Classification: Uncertain significance. Last evaluated: 2025-07-17. Review status: criteria provided, single submitter. Criteria: GeneDx Variant Classification Process June 2021. Collection method: clinical testing. Allele origin: germline. Affected: yes.
Comment: Has not been previously published as pathogenic or benign to our knowledge; Not observed at significant frequency in large population cohorts (gnomAD); In silico analysis supports that this missense variant has a deleterious effect on protein structure/function